The following is an entry in ClinVar:

ClinVar aggregate classification (germline): Uncertain significance (1 of 4 stars; one submission).

Conditions:
Pheochromocytoma. Also called: MAX-Related Hereditary Paraganglioma-Pheochromocytoma Syndrome. Identifiers: Orphanet 29072, MedGen C0031511, MONDO:0008233, OMIM 171300, HP:0002666.
Pheochromocytoma/paraganglioma syndrome 4. Also called: CAROTID BODY TUMORS AND MULTIPLE EXTRAADRENAL PHEOCHROMOCYTOMAS; PARAGANGLIOMA, FAMILIAL MALIGNANT; PARAGANGLIOMAS, HEREDITARY EXTRAADRENAL; PHEOCHROMOCYTOMA, FAMILIAL EXTRAADRENAL; Paragangliomas 4; SDHB-Related Hereditary Paraganglioma-Pheochromocytoma Syndrome (Paragangliomas 4). Identifiers: Orphanet 29072, MedGen C1861848, MONDO:0007273, OMIM 115310.
Gastrointestinal stromal tumor. Also called: Gastrointestinal stroma tumor; Gastrointestinal stromal tumor, somatic. Identifiers: Orphanet 44890, MedGen C0238198, MeSH D046152, MONDO:0011719, OMIM 606764, HP:0100723.

Submission:

Labcorp Genetics (formerly Invitae), Labcorp
Classification: Uncertain significance for Gastrointestinal stromal tumor; Pheochromocytoma/paraganglioma syndrome 4; Pheochromocytoma. Last evaluated: 2022-02-07. Review status: criteria provided, single submitter. Criteria: Invitae Variant Classification Sherloc (09022015). Collection method: clinical testing. Allele origin: germline.
Comment: This variant, c.18_47del, results in the deletion of 10 amino acid(s) of the SDHB protein (p.Leu7_Thr16del), but otherwise preserves the integrity of the reading frame. This variant is not present in population databases (gnomAD no frequency). This variant has not been reported in the literature in individuals affected with SDHB-related conditions. Experimental studies and prediction algorithms are not available or were not evaluated, and the functional significance of this variant is currently unknown. In summary, the available evidence is currently insufficient to determine the role of this variant in disease. Therefore, it has been classified as a Variant of Uncertain Significance.

NM_003000.3(SDHB):c.18_47del (p.Leu7_Thr16del)

Gene: SDHB (succinate dehydrogenase complex iron sulfur subunit B; minus strand). Cytogenetic location: 1p36.13.
Variant type: Deletion.
Coding change: c.18_47del on transcript NM_003000.3 (MANE Select); coding-DNA positions 18 to 47, 30 bases deleted (CCTCTCCTTGAGGCGCCGGTTGCCGGCCAC).
Protein change: p.Leu7_Thr16del.
Molecular consequence: inframe deletion. On other transcripts: inframe indel (1).
Genome position (GRCh38, 1-based): chr1:17,053,973-17,054,002, GTGGCCGGCAACCGGCGCCTCAAGGAGAGG deleted on the plus strand (CCTCTCCTTGAGGCGCCGGTTGCCGGCCAC on the coding strand, the reverse complement: SDHB is on the minus strand); deleting any 30 consecutive bases within chr1:17,053,973-17,054,003 gives the same sequence; the c. name uses the placement nearest the transcript's 3' end. VCF-style (leftmost placement, unchanged base first): chr1-17053972-TGTGGCCGGCAACCGGCGCCTCAAGGAGAGG-T. GRCh37 (hg19) VCF-style: chr1-17380467-TGTGGCCGGCAACCGGCGCCTCAAGGAGAGG-T.
Other names: c.17_46del30, p.Leu7_Thr16del (NM_001407361.1).
Identifiers: ClinVar variation 2094441 (VCV002094441.4), dbSNP rs2078163385, ClinGen allele CA1156102040.